The following is an entry in ClinVar:

NM_000875.5(IGF1R):c.2673del (p.Lys892fs)

Gene: IGF1R (insulin like growth factor 1 receptor; plus strand). Cytogenetic location: 15q26.3.
Variant type: Deletion.
Coding change: c.2673del on transcript NM_000875.5 (MANE Select); coding-DNA position 2673, one base deleted (C; older notation c.2673delC).
Protein change: p.Lys892fs; shifts the reading frame from lysine 892.
Molecular consequence: frameshift variant.
Genome position (GRCh38, 1-based): chr15:98,924,575, C deleted; the last of 2 consecutive C bases (chr15:98,924,574-98,924,575); deleting either gives the same sequence. VCF-style (leftmost placement, unchanged base first): chr15-98924573-GC-G. GRCh37 (hg19) VCF-style: chr15-99467802-GC-G.
Other names: c.2673del, p.Lys892fs (NM_001291858.2); short protein forms K892fs.
Identifiers: ClinVar variation 643286 (VCV000643286.6), dbSNP rs1596457128, ClinGen allele CA915946172.

ClinVar aggregate classification (germline): Pathogenic (1 of 4 stars; one submission).

Submission:

Labcorp Genetics (formerly Invitae), Labcorp
Classification: Pathogenic. Last evaluated: 2018-12-05. Review status: criteria provided, single submitter. Criteria: Invitae Variant Classification Sherloc (09022015). Collection method: clinical testing. Allele origin: germline.
Comment: For these reasons, this variant has been classified as Pathogenic. Loss-of-function variants in IGF1R are known to be pathogenic (PMID: 14657428). This variant has not been reported in the literature in individuals with IGF1R-related disease. This variant is not present in population databases (ExAC no frequency). This sequence change creates a premature translational stop signal (p.Lys892Serfs*2) in the IGF1R gene. It is expected to result in an absent or disrupted protein product.

Literature cited by the submitters: PubMed 14657428.